The following is an entry in ClinVar:

ClinVar aggregate classification (germline): Uncertain significance (1 of 4 stars; one submission).

Submission:

CeGaT Center for Human Genetics Tuebingen
Classification: Uncertain significance. Last evaluated: 2025-01-01. Review status: criteria provided, single submitter. Criteria: CeGaT Center For Human Genetics Tuebingen Variant Classification Criteria Version 2. Collection method: clinical testing. Allele origin: germline. Affected: yes. Observed: 1 variant allele.
Comment: CHD1: PM2, PP2

NM_001270.4(CHD1):c.874A>G (p.Thr292Ala)

Gene: CHD1 (chromodomain helicase DNA binding protein 1; minus strand). Cytogenetic location: 5q15.
Variant type: single nucleotide variant.
Coding change: c.874A>G on transcript NM_001270.4 (MANE Select); coding-DNA position 874, A replaced by G.
Protein change: p.Thr292Ala; replaces threonine 292 with alanine.
Molecular consequence: missense variant. On other transcripts: non-coding transcript variant (2).
Genome position (GRCh38, 1-based): chr5:98,899,691, T>C on the plus strand (A>G on the coding strand, the complement: CHD1 is on the minus strand). VCF-style: chr5-98899691-T-C. GRCh37 (hg19) VCF-style: chr5-98235395-T-C.
Other names: c.874A>G, p.Thr292Ala (NM_001364113.3, NM_001376194.2); short protein forms T292A.
Identifiers: ClinVar variation 3772304 (VCV003772304.13).